The following is an entry in ClinVar:

ClinVar aggregate classification (germline): Uncertain significance. Review status: criteria provided, multiple submitters, no conflicts (2 of 4 stars). 2 submissions from 2 submitters: Uncertain significance (2). Last evaluated 2024-10-21.

Allele frequency attached by ClinVar (database versions not stated): TOPMed below 0.00001.
gnomAD v4.1: 24 of 1,546,286 alleles (0.0016%); highest among the groups gnomAD compares: Non-Finnish European, 0.0019%; no homozygotes.

Submissions (2):

Labcorp Genetics (formerly Invitae), Labcorp
Classification: Uncertain significance. Last evaluated: 2024-10-21. Review status: criteria provided, single submitter. Criteria: Invitae Variant Classification Sherloc (09022015). Collection method: clinical testing. Allele origin: germline.
Comment: This sequence change replaces arginine, which is basic and polar, with cysteine, which is neutral and slightly polar, at codon 222 of the MKL1 protein (p.Arg222Cys). This variant is not present in population databases (gnomAD no frequency). This variant has not been reported in the literature in individuals affected with MKL1-related conditions. ClinVar contains an entry for this variant (Variation ID: 1957536). An algorithm developed to predict the effect of missense changes on protein structure and function (PolyPhen-2) suggests that this variant is likely to be disruptive. In summary, the available evidence is currently insufficient to determine the role of this variant in disease. Therefore, it has been classified as a Variant of Uncertain Significance.

Ambry Genetics
Classification: Uncertain significance. Last evaluated: 2022-11-09. Review status: criteria provided, single submitter. Criteria: Ambry Variant Classification Scheme 2023. Collection method: clinical testing. Allele origin: germline.

NM_020831.6(MRTFA):c.964C>T (p.Arg322Cys)

Gene: MRTFA (myocardin related transcription factor A; minus strand). Cytogenetic location: 22q13.1.
Variant type: single nucleotide variant.
Coding change: c.964C>T on transcript NM_020831.6 (MANE Select); coding-DNA position 964, C replaced by T.
Protein change: p.Arg322Cys; replaces arginine 322 with cysteine.
Molecular consequence: missense variant.
Genome position (GRCh38, 1-based): chr22:40,421,064, G>A on the plus strand (C>T on the coding strand, the complement: MRTFA is on the minus strand). VCF-style: chr22-40421064-G-A. GRCh37 (hg19) VCF-style: chr22-40817068-G-A.
Other names: c.664C>T, p.Arg222Cys (NM_001282660.2); c.814C>T, p.Arg272Cys (NM_001282661.3); c.964C>T, p.Arg322Cys (NM_001282662.3); c.769C>T, p.Arg257Cys (NM_001318139.2); c.664C>T (NM_020831.3); short protein forms R272C, R222C, R257C, R322C.
Identifiers: ClinVar variation 1957536 (VCV001957536.6), dbSNP rs773831655, ClinGen allele CA324471259.